The following is an entry in ClinVar:

NM_001042492.3(NF1):c.3970del (p.Thr1324fs)

Gene: NF1 (neurofibromin 1; plus strand). Cytogenetic location: 17q11.2.
Variant type: Deletion.
Coding change: c.3970del on transcript NM_001042492.3 (MANE Select); coding-DNA position 3970, one base deleted (A; older notation c.3970delA).
Protein change: p.Thr1324fs; shifts the reading frame from threonine 1324.
Molecular consequence: frameshift variant.
Genome position (GRCh38, 1-based): chr17:31,236,017, A deleted. VCF-style (leftmost placement, unchanged base first): chr17-31236016-TA-T. GRCh37 (hg19) VCF-style: chr17-29563034-TA-T.
Other names: c.3970delA, p.Thr1324Profs (NM_000267.4); short protein forms T1324fs.
Identifiers: ClinVar variation 1075868 (VCV001075868.5), dbSNP rs2151438700, ClinGen allele CA2499224120.

ClinVar aggregate classification (germline): Pathogenic (1 of 4 stars; one submission).

Conditions:
Neurofibromatosis, type 1 (NF1). Also called: VON RECKLINGHAUSEN DISEASE; Peripheral type neurofibromatosis; NEUROFIBROMATOSIS, TYPE I, SOMATIC; Neurofibromatosis, type I. Identifiers: Orphanet 636, MedGen C0027831, MONDO:0018975, OMIM 162200. Disease mechanism: loss of function.

Submission:

Labcorp Genetics (formerly Invitae), Labcorp
Classification: Pathogenic for Neurofibromatosis, type 1. Last evaluated: 2020-08-30. Review status: criteria provided, single submitter. Criteria: Invitae Variant Classification Sherloc (09022015). Collection method: clinical testing. Allele origin: germline.
Comment: Loss-of-function variants in NF1 are known to be pathogenic (PMID: 10712197, 23913538). This sequence change creates a premature translational stop signal (p.Thr1324Profs*3) in the NF1 gene. It is expected to result in an absent or disrupted protein product. This variant is not present in population databases (ExAC no frequency). This variant has not been reported in the literature in individuals with NF1-related conditions. For these reasons, this variant has been classified as Pathogenic.

Literature cited by the submitters: PubMed 10712197; PubMed 23913538.